The following is an entry in ClinVar:

NM_001349798.2(FBXW7):c.443G>C (p.Ser148Thr)

Gene: FBXW7 (F-box and WD repeat domain containing 7; minus strand). Cytogenetic location: 4q31.3.
Variant type: single nucleotide variant.
Coding change: c.443G>C on transcript NM_001349798.2 (MANE Select); coding-DNA position 443, G replaced by C.
Protein change: p.Ser148Thr; replaces serine 148 with threonine.
Molecular consequence: missense variant.
Genome position (GRCh38, 1-based): chr4:152,411,361, C>G on the plus strand (G>C on the coding strand, the complement: FBXW7 is on the minus strand). VCF-style: chr4-152411361-C-G. GRCh37 (hg19) VCF-style: chr4-153332513-C-G.
Other names: c.443G>C, p.Ser148Thr (NM_001257069.1, NM_033632.3); short protein forms S148T.
Identifiers: ClinVar variation 3632049 (VCV003632049.2).

ClinVar aggregate classification (germline): Uncertain significance (1 of 4 stars; one submission).

gnomAD v4.1: 4 of 1,613,544 alleles (0.00025%); highest among the groups gnomAD compares: East Asian, 0.0089%; no homozygotes.

Submission:

Labcorp Genetics (formerly Invitae), Labcorp
Classification: Uncertain significance. Last evaluated: 2024-05-07. Review status: criteria provided, single submitter. Criteria: Invitae Variant Classification Sherloc (09022015). Collection method: clinical testing. Allele origin: germline.
Comment: This sequence change replaces serine, which is neutral and polar, with threonine, which is neutral and polar, at codon 148 of the FBXW7 protein (p.Ser148Thr). This variant is present in population databases (no rsID available, gnomAD no frequency). This variant has not been reported in the literature in individuals affected with FBXW7-related conditions. Experimental studies and prediction algorithms are not available or were not evaluated, and the functional significance of this variant is currently unknown. In summary, the available evidence is currently insufficient to determine the role of this variant in disease. Therefore, it has been classified as a Variant of Uncertain Significance.